The following is an entry in ClinVar:

ClinVar aggregate classification (germline): Benign/Likely benign. Review status: criteria provided, multiple submitters, no conflicts (2 of 4 stars). 4 submissions from 4 submitters: Benign (1); Likely benign (3). Last evaluated 2026-01-28.

Conditions:
Pyruvate dehydrogenase E3-binding protein deficiency (PDHXD). Also called: E3-Binding Protein (Component X) Deficiency; Lacticacidemia due to PDX1 deficiency; PYRUVATE HYDROGENASE E3-BINDING PROTEIN DEFICIENCY; LACTIC ACIDEMIA DUE TO DEFECT IN LIPOYL-CONTAINING COMPONENT X OF THE PYRUVATE DEHYDROGENASE COMPLEX. Identifiers: Orphanet 255182, MedGen C1855553, MONDO:0009503, OMIM 245349.

Allele frequency attached by ClinVar (database versions not stated): gnomAD 0.00221 and 0.00243; TOPMed 0.00274; ESP Exome Variant Server 0.00292; 1000 Genomes Project 0.00300; 1000 Genomes Project 30x 0.00312.
gnomAD v4.1: 655 of 1,614,024 alleles (0.041%); highest among the groups gnomAD compares: African/African-American, 0.81%; 3 homozygotes.

Submissions (4):

Labcorp Genetics (formerly Invitae), Labcorp
Classification: Benign. Last evaluated: 2026-01-28. Review status: criteria provided, single submitter. Criteria: Invitae Variant Classification Sherloc (09022015). Collection method: clinical testing. Allele origin: germline.

Blueprint Genetics
Classification: Likely benign. Last evaluated: 2024-11-13. Review status: criteria provided, single submitter. Criteria: ACMG Guidelines, 2015. Collection method: clinical testing. Allele origin: germline.

GeneDx
Classification: Likely benign. Last evaluated: 2020-07-27. Review status: criteria provided, single submitter. Criteria: GeneDx Variant Classification Process June 2021. Collection method: clinical testing. Allele origin: germline. Affected: yes.

Illumina Laboratory Services, Illumina
Classification: Likely benign for Pyruvate dehydrogenase E3-binding protein deficiency. Last evaluated: 2018-01-13. Review status: criteria provided, single submitter. Criteria: ICSL Variant Classification Criteria 13 December 2019. Collection method: clinical testing. Allele origin: germline.
Comment: This variant was observed in the ICSL laboratory as part of a predisposition screen in an ostensibly healthy population. It had not been previously curated by ICSL or reported in the Human Gene Mutation Database (HGMD: prior to June 1st, 2018), and was therefore a candidate for classification through an automated scoring system. Utilizing variant allele frequency, disease prevalence and penetrance estimates, and inheritance mode, an automated score was calculated to assess if this variant is too frequent to cause the disease. Based on the score and internal cut-off values, a variant classified as likely benign is not then subjected to further curation. The score for this variant resulted in a classification of likely benign for this disease.

NM_003477.3(PDHX):c.474G>A (p.Glu158=)

Gene: PDHX (pyruvate dehydrogenase complex component X; plus strand). Cytogenetic location: 11p13.
Variant type: single nucleotide variant.
Coding change: c.474G>A on transcript NM_003477.3 (MANE Select); coding-DNA position 474, G replaced by A.
Protein change: p.Glu158=; no amino-acid change (glutamic acid 158 retained).
Molecular consequence: synonymous variant. On other transcripts: intron variant (1).
Genome position (GRCh38, 1-based): chr11:34,957,515, G>A. VCF-style: chr11-34957515-G-A. GRCh37 (hg19) VCF-style: chr11-34979062-G-A.
Other names: c.294G>A, p.Glu98= (NM_001135024.2); c.342+9909G>A (NM_001166158.2).
Identifiers: ClinVar variation 304464 (VCV000304464.19), dbSNP rs148723565, ClinGen allele CA5945873.